The following is an entry in ClinVar:

NM_016203.4(PRKAG2):c.227T>C (p.Phe76Ser)

Gene: PRKAG2 (protein kinase AMP-activated non-catalytic subunit gamma 2; minus strand). Cytogenetic location: 7q36.1.
Variant type: single nucleotide variant.
Coding change: c.227T>C on transcript NM_016203.4 (MANE Select); coding-DNA position 227, T replaced by C.
Protein change: p.Phe76Ser; replaces phenylalanine 76 with serine.
Molecular consequence: missense variant. On other transcripts: intron variant (1).
Genome position (GRCh38, 1-based): chr7:151,781,391, A>G on the plus strand (T>C on the coding strand, the complement: PRKAG2 is on the minus strand). VCF-style: chr7-151781391-A-G. GRCh37 (hg19) VCF-style: chr7-151478477-A-G.
Other names: c.95T>C, p.Phe32Ser (NM_001040633.2, NM_001407024.1, NM_001407026.1 and 2 more transcripts); c.227T>C, p.Phe76Ser (NM_001407021.1, NM_001407022.1, NM_001407023.1 and 2 more transcripts); c.148+33025T>C (NM_001407032.1); short protein forms F32S, F76S.
Identifiers: ClinVar variation 4614759 (VCV004614759.1).
Genomic context (GRCh38, chr7:151,781,391, plus strand): 5'-TTGGGCCTCACAGGTGCAGACATGGGGCTGGAGGGCCGGGGCTGGGGGCCTCTGGAGAAG[A>G]ACCCTTTGGAGGGGCTGCCCGGGCCGAAGGGGCTGTCCACCTGCAGAAAAACAGACGAAT-3'
Protein context (NP_057287.2, residues 66-86): PFGPGSPSKG[Phe76Ser]FSRGPQPRPS

ClinVar aggregate classification (germline): Uncertain significance (1 of 4 stars; one submission).

Conditions:
Cardiovascular phenotype. Identifiers: MedGen CN230736.

Submission:

Ambry Genetics
Classification: Uncertain significance for Cardiovascular phenotype. Last evaluated: 2025-12-02. Review status: criteria provided, single submitter. Criteria: Ambry Variant Classification Scheme 2023. Collection method: clinical testing. Allele origin: germline.
Comment: The p.F76S variant (also known as c.227T>C), located in coding exon 3 of the PRKAG2 gene, results from a T to C substitution at nucleotide position 227. The phenylalanine at codon 76 is replaced by serine, an amino acid with highly dissimilar properties. This amino acid position is conserved. In addition, this alteration is predicted to be tolerated by in silico analysis. Based on the available evidence, the clinical significance of this variant remains unclear.